The following is an entry in ClinVar:

NM_000551.4(VHL):c.193T>A (p.Ser65Thr)

Gene: VHL (von Hippel-Lindau tumor suppressor; plus strand). Cytogenetic location: 3p25.3.
Variant type: single nucleotide variant.
Coding change: c.193T>A on transcript NM_000551.4 (MANE Select); coding-DNA position 193, T replaced by A.
Protein change: p.Ser65Thr; replaces serine 65 with threonine.
Molecular consequence: missense variant.
Genome position (GRCh38, 1-based): chr3:10,142,040, T>A. VCF-style: chr3-10142040-T-A. GRCh37 (hg19) VCF-style: chr3-10183724-T-A.
Other names: c.193T>A, p.Ser65Thr (NM_001354723.2, NM_198156.3); short protein forms S65T.
Identifiers: ClinVar variation 1426858 (VCV001426858.6), dbSNP rs869025616, ClinGen allele CA351748794.

ClinVar aggregate classification (germline): Pathogenic (1 of 4 stars; one submission).

Conditions:
Von Hippel-Lindau syndrome (VHLS). Also called: von Hippel–Lindau syndrome; VHL syndrome; Von Hippel-Lindau. Identifiers: Orphanet 892, MedGen C0019562, MONDO:0008667, OMIM 193300. Disease mechanism: loss of function.
Chuvash polycythemia. Also called: POLYCYTHEMIA, VHL-DEPENDENT. Identifiers: Orphanet 238557, MedGen C1837915, MONDO:0009892, OMIM 263400.

Submission:

Labcorp Genetics (formerly Invitae), Labcorp
Classification: Pathogenic for Von Hippel-Lindau syndrome; Chuvash polycythemia. Last evaluated: 2021-09-24. Review status: criteria provided, single submitter. Criteria: Invitae Variant Classification Sherloc (09022015). Collection method: clinical testing. Allele origin: germline.
Comment: This sequence change replaces serine with threonine at codon 65 of the VHL protein (p.Ser65Thr). The serine residue is highly conserved and there is a small physicochemical difference between serine and threonine. This variant is not present in population databases (ExAC no frequency). This missense change has been observed in individual(s) with clinical features of von Hippel-Lindau syndrome (PMID: 32420132; Invitae). In at least one individual the variant was observed to be de novo. Advanced modeling of protein sequence and biophysical properties (such as structural, functional, and spatial information, amino acid conservation, physicochemical variation, residue mobility, and thermodynamic stability) performed at Invitae indicates that this missense variant is expected to disrupt VHL protein function. This variant disrupts the p.Ser65 amino acid residue in VHL. Other variant(s) that disrupt this residue have been determined to be pathogenic (PMID: 7728151, 7987306, 10567493). This suggests that this residue is clinically significant, and that variants that disrupt this residue are likely to be disease-causing. For these reasons, this variant has been classified as Pathogenic.

Literature cited by the submitters: PubMed 32420132; PubMed 7728151; PubMed 7987306; PubMed 10567493.